The following is an entry in ClinVar:

NM_000311.5(PRNP):c.424G>A (p.Gly142Ser)

Gene: PRNP (prion protein (Kanno blood group); plus strand). Cytogenetic location: 20p13.
Variant type: single nucleotide variant.
Coding change: c.424G>A on transcript NM_000311.5 (MANE Select); coding-DNA position 424, G replaced by A.
Protein change: p.Gly142Ser; replaces glycine 142 with serine.
Molecular consequence: missense variant. On other transcripts: 3 prime UTR variant (1).
Genome position (GRCh38, 1-based): chr20:4,699,644, G>A. VCF-style: chr20-4699644-G-A. GRCh37 (hg19) VCF-style: chr20-4680290-G-A.
Other names: c.424G>A, p.Gly142Ser (NM_001080121.3, NM_001080122.3, NM_001080123.3 and 1 more transcripts); c.*113G>A (NM_001271561.3); short protein forms G142S.
Identifiers: ClinVar variation 338652 (VCV000338652.21), dbSNP rs150351644, ClinGen allele CA9752071.

ClinVar aggregate classification (germline): Benign/Likely benign. Review status: criteria provided, multiple submitters, no conflicts (2 of 4 stars). 6 submissions from 6 submitters: Benign (3); Likely benign (3). Last evaluated 2026-04-01.

Conditions:
Huntington disease-like 1 (HDL1). Also called: PRION DISEASE, EARLY-ONSET, WITH PROMINENT PSYCHIATRIC FEATURES; HUNTINGTON-LIKE NEURODEGENERATIVE DISORDER 1; HUNTINGTON-LIKE NEURODEGENERATIVE DISORDER, AUTOSOMAL DOMINANT. Identifiers: Orphanet 157941, MedGen C1864112, MONDO:0011299, OMIM 603218.
Inherited prion disease. Identifiers: Orphanet 280400, MedGen C5679775, MONDO:0017234.

Allele frequency attached by ClinVar (database versions not stated): ExAC 0.00138; 1000 Genomes Project 0.00399; gnomAD 0.00422 and 0.00451; 1000 Genomes Project 30x 0.00437; TOPMed 0.00457; ESP Exome Variant Server 0.00477.
gnomAD v4.1: 1,250 of 1,614,046 alleles (0.077%); highest among the groups gnomAD compares: African/African-American, 1.4%; 12 homozygotes.

Submissions (6):

CeGaT Center for Human Genetics Tuebingen
Classification: Benign. Last evaluated: 2026-04-01. Review status: criteria provided, single submitter. Criteria: CeGaT Center For Human Genetics Tuebingen Variant Classification Criteria Version 2. Collection method: clinical testing. Allele origin: germline. Affected: yes. Observed: 2 variant alleles.
Comment: PRNP: BS1, BS2

Labcorp Genetics (formerly Invitae), Labcorp
Classification: Benign for Huntington disease-like 1. Last evaluated: 2025-12-08. Review status: criteria provided, single submitter. Criteria: Invitae Variant Classification Sherloc (09022015). Collection method: clinical testing. Allele origin: germline.

ARUP Laboratories, Molecular Genetics and Genomics, ARUP Laboratories
Classification: Likely benign. Last evaluated: 2023-09-21. Review status: criteria provided, single submitter. Criteria: ARUP Molecular Germline Variant Investigation Process 2024. Collection method: clinical testing. Allele origin: germline.

Mendelics
Classification: Benign for Huntington disease-like 1. Last evaluated: 2019-05-28. Review status: criteria provided, single submitter. Criteria: Mendelics Assertion Criteria 2017. Collection method: clinical testing. Allele origin: unknown.

Illumina Laboratory Services, Illumina
Classification: Likely benign for Genetic prion diseases. Last evaluated: 2017-04-28. Review status: criteria provided, single submitter. Criteria: ICSL Variant Classification Criteria 13 December 2019. Collection method: clinical testing. Allele origin: germline.
Comment: This variant was observed as part of a predisposition screen in an ostensibly healthy population. A literature search was performed for the gene, cDNA change, and amino acid change (where applicable). Publications were found based on this search. The evidence from the literature, in combination with allele frequency data from public databases where available, was sufficient to determine this variant is unlikely to cause disease. Therefore, this variant is classified as likely benign.

Breakthrough Genomics
Classification: Likely benign. Review status: criteria provided, single submitter. Criteria: ACMG Guidelines, 2015. Collection method: not provided. Allele origin: germline. Inheritance: Autosomal dominant inheritance. Affected: yes.

Literature cited by the submitters: PubMed 12690204 (cited by Illumina Laboratory Services, Illumina); PubMed 20583301 (cited by Illumina Laboratory Services, Illumina); PubMed 12420099 (cited by Illumina Laboratory Services, Illumina).